The following is an entry in ClinVar:

NM_004183.4(BEST1):c.637G>A (p.Glu213Lys)

Gene: BEST1 (bestrophin 1; plus strand). Cytogenetic location: 11q12.3.
Variant type: single nucleotide variant.
Coding change: c.637G>A on transcript NM_004183.4 (MANE Select); coding-DNA position 637, G replaced by A.
Protein change: p.Glu213Lys; replaces glutamic acid 213 with lysine.
Molecular consequence: missense variant. On other transcripts: non-coding transcript variant (1).
Genome position (GRCh38, 1-based): chr11:61,957,387, G>A. VCF-style: chr11-61957387-G-A. GRCh37 (hg19) VCF-style: chr11-61724859-G-A.
Other names: c.637G>A (NM_004183.3); c.457G>A, p.Glu153Lys (NM_001139443.3, NM_001300786.2, NM_001300787.2); c.319G>A, p.Glu107Lys (NM_001363591.3); c.637G>A, p.Glu213Lys (NM_001363592.2); c.-539G>A (NM_001363593.3); short protein forms E153K, E107K, E213K.
Identifiers: ClinVar variation 2137114 (VCV002137114.7), dbSNP rs138932379, ClinGen allele CA6040811.

ClinVar aggregate classification (germline): Conflicting classifications of pathogenicity. Review status: criteria provided, conflicting classifications (1 of 4 stars). 4 submissions from 4 submitters: Pathogenic (1); Likely pathogenic (1); Uncertain significance (2). Last evaluated 2026-06-20.

Conditions:
BEST1-related disorder. Also called: BEST1-related condition; BEST1-related disorders. Identifiers: MedGen CN239200.

Allele frequency attached by ClinVar (database versions not stated): gnomAD exomes below 0.00001; ExAC 0.00001; gnomAD 0.00001; TOPMed 0.00001; ESP Exome Variant Server 0.00008.
gnomAD v4.1: 5 of 1,613,916 alleles (0.00031%); highest among the groups gnomAD compares: African/African-American, 0.004%; no homozygotes.

Submissions (4):

PreventionGenetics, part of Exact Sciences
Classification: Uncertain significance for BEST1-related condition. Last evaluated: 2026-06-20. Review status: criteria provided, single submitter. Criteria: ACMG Guidelines, 2015. Collection method: clinical testing. Allele origin: germline.
Comment: The BEST1 c.637G>A variant is predicted to result in the amino acid substitution p.Glu213Lys. This variant has been reported in the heterozygous state in an individual with presumed autosomal dominant adult vitelliform macular dystrophy (Table S1, Kinnick et al. 2011. PubMed ID: 21273940). This variant is present in 0.0029% of alleles in individuals of Latino descent in gnomAD. At this time, the clinical significance of this variant is uncertain due to the absence of conclusive functional and genetic evidence.

Revvity Omics, Revvity
Classification: Likely pathogenic. Last evaluated: 2025-03-26. Review status: criteria provided, single submitter. Criteria: ACMG Guidelines, 2015. Collection method: clinical testing. Allele origin: germline.

Labcorp Genetics (formerly Invitae), Labcorp
Classification: Uncertain significance. Last evaluated: 2024-10-07. Review status: criteria provided, single submitter. Criteria: Invitae Variant Classification Sherloc (09022015). Collection method: clinical testing. Allele origin: germline.
Comment: This sequence change replaces glutamic acid, which is acidic and polar, with lysine, which is basic and polar, at codon 213 of the BEST1 protein (p.Glu213Lys). This variant is present in population databases (rs138932379, gnomAD 0.003%). This missense change has been observed in individual(s) with clinical features of autosomal recessive bestrophinopathy and autosomal dominant vitelliform macular dystrophy (PMID: 21273940, 23572118). ClinVar contains an entry for this variant (Variation ID: 2137114). An algorithm developed to predict the effect of missense changes on protein structure and function (PolyPhen-2) suggests that this variant is likely to be disruptive. Algorithms developed to predict the effect of sequence changes on RNA splicing suggest that this variant may create or strengthen a splice site. This variant disrupts the Glu213 amino acid residue in BEST1. Other variant(s) that disrupt this residue have been determined to be pathogenic (PMID: 22162627, 24560797, 33546218; internal data). This suggests that this residue is clinically significant, and that variants that disrupt this residue are likely to be disease-causing. In summary, the available evidence is currently insufficient to determine the role of this variant in disease. Therefore, it has been classified as a Variant of Uncertain Significance.

Blueprint Genetics
Classification: Pathogenic for BEST1-related disorders. Last evaluated: 2019-12-10. Review status: criteria provided, single submitter. Criteria: ACMG Guidelines, 2015. Collection method: clinical testing. Allele origin: germline. Affected: yes. Observed: 1 variant allele.

Literature cited by the submitters: PubMed 21273940 (cited by Labcorp Genetics (formerly Invitae), Labcorp); PubMed 23572118 (cited by Labcorp Genetics (formerly Invitae), Labcorp); PubMed 22162627 (cited by Labcorp Genetics (formerly Invitae), Labcorp); PubMed 24560797 (cited by Labcorp Genetics (formerly Invitae), Labcorp); PubMed 33546218 (cited by Labcorp Genetics (formerly Invitae), Labcorp).